The following is an entry in ClinVar:

ClinVar aggregate classification (germline): Uncertain significance. Review status: criteria provided, multiple submitters, no conflicts (2 of 4 stars). 2 submissions from 2 submitters: Uncertain significance (2). Last evaluated 2025-04-07.

Conditions:
Gorlin syndrome. Also called: Basal cell nevus syndrome; Nevoid Basal Cell Carcinoma Syndrome. Identifiers: Orphanet 377, MedGen C0004779, MONDO:0007187.

Allele frequency attached by ClinVar (database versions not stated): gnomAD exomes below 0.00001; ExAC 0.00001; gnomAD 0.00001; TOPMed 0.00001.

Submissions (2):

Labcorp Genetics (formerly Invitae), Labcorp
Classification: Uncertain significance for Gorlin syndrome. Last evaluated: 2025-04-07. Review status: criteria provided, single submitter. Criteria: Invitae Variant Classification Sherloc (09022015). Collection method: clinical testing. Allele origin: germline.
Comment: This sequence change replaces isoleucine, which is neutral and non-polar, with leucine, which is neutral and non-polar, at codon 25 of the PTCH2 protein (p.Ile25Leu). This variant is present in population databases (rs766919037, gnomAD 0.02%). This variant has not been reported in the literature in individuals affected with PTCH2-related conditions. ClinVar contains an entry for this variant (Variation ID: 1447159). An algorithm developed to predict the effect of missense changes on protein structure and function (PolyPhen-2) suggests that this variant is likely to be tolerated. In summary, the available evidence is currently insufficient to determine the role of this variant in disease. Therefore, it has been classified as a Variant of Uncertain Significance.

Ambry Genetics
Classification: Uncertain significance. Last evaluated: 2025-03-16. Review status: criteria provided, single submitter. Criteria: Ambry Variant Classification Scheme 2023. Collection method: clinical testing. Allele origin: germline.

NM_003738.5(PTCH2):c.73A>C (p.Ile25Leu)

Gene: PTCH2 (patched 2; minus strand). Cytogenetic location: 1p34.1.
Variant type: single nucleotide variant.
Coding change: c.73A>C on transcript NM_003738.5 (MANE Select); coding-DNA position 73, A replaced by C.
Protein change: p.Ile25Leu; replaces isoleucine 25 with leucine.
Molecular consequence: missense variant.
Genome position (GRCh38, 1-based): chr1:44,842,039, T>G on the plus strand (A>C on the coding strand, the complement: PTCH2 is on the minus strand). VCF-style: chr1-44842039-T-G. GRCh37 (hg19) VCF-style: chr1-45307711-T-G.
Other names: c.73A>C, p.Ile25Leu (NM_001166292.2); c.73A>C (NM_003738.4); short protein forms I25L.
Identifiers: ClinVar variation 1447159 (VCV001447159.9), dbSNP rs766919037, ClinGen allele CA823743.